The following is an entry in ClinVar:

ClinVar aggregate classification (germline): Conflicting classifications of pathogenicity. Review status: criteria provided, conflicting classifications (1 of 4 stars). 3 submissions from 3 submitters: Likely pathogenic (1); Uncertain significance (2). Last evaluated 2025-03-05.

Conditions:
ALDH5A1-related disorder. Also called: ALDH5A1-related condition.
Succinate-semialdehyde dehydrogenase deficiency (SSADHD). Also called: 4-HYDROXYBUTYRIC ACIDURIA; SSADH DEFICIENCY; GABA METABOLIC DEFECT; Succinic Semialdehyde Dehydrogenase Deficiency. Identifiers: Orphanet 22, MedGen C0268631, MONDO:0010083, OMIM 271980.

Allele frequency attached by ClinVar (database versions not stated): gnomAD exomes below 0.00001 and 0.00001.

Submissions (3):

PreventionGenetics, part of Exact Sciences
Classification: Likely pathogenic for ALDH5A1-related condition. Last evaluated: 2025-03-05. Review status: criteria provided, single submitter. Criteria: ACMG Guidelines, 2015. Collection method: clinical testing. Allele origin: germline.
Comment: The ALDH5A1 c.649G>A variant is predicted to result in the amino acid substitution p.Ala217Thr. This variant has been reported in the homozygous state in an individual with biochemical findings consistent with succinic semialdehyde dehydrogenase deficiency (Glinton et al. 2024. PubMed ID: 39011401). This variant is reported in 0.0058% of alleles in individuals of Latino descent in gnomAD. This variant is interpreted as likely pathogenic.

GeneDx
Classification: Uncertain significance. Last evaluated: 2025-01-01. Review status: criteria provided, single submitter. Criteria: GeneDx Variant Classification Process June 2021. Collection method: clinical testing. Allele origin: germline. Affected: yes.
Comment: Not observed at significant frequency in large population cohorts (gnomAD); In silico analysis supports that this missense variant does not alter protein structure/function; This variant is associated with the following publications: (PMID: 39011401, 27535533)

Labcorp Genetics (formerly Invitae), Labcorp
Classification: Uncertain significance for Succinate-semialdehyde dehydrogenase deficiency. Last evaluated: 2024-10-23. Review status: criteria provided, single submitter. Criteria: Invitae Variant Classification Sherloc (09022015). Collection method: clinical testing. Allele origin: germline.
Comment: This sequence change replaces alanine, which is neutral and non-polar, with threonine, which is neutral and polar, at codon 217 of the ALDH5A1 protein (p.Ala217Thr). This variant is present in population databases (no rsID available, gnomAD 0.009%). This variant has not been reported in the literature in individuals affected with ALDH5A1-related conditions. ClinVar contains an entry for this variant (Variation ID: 423243). Invitae Evidence Modeling of protein sequence and biophysical properties (such as structural, functional, and spatial information, amino acid conservation, physicochemical variation, residue mobility, and thermodynamic stability) has been performed for this missense variant. However, the output from this modeling did not meet the statistical confidence thresholds required to predict the impact of this variant on ALDH5A1 protein function. In summary, the available evidence is currently insufficient to determine the role of this variant in disease. Therefore, it has been classified as a Variant of Uncertain Significance.

NM_001080.3(ALDH5A1):c.649G>A (p.Ala217Thr)

Gene: ALDH5A1 (aldehyde dehydrogenase 5 family member A1; plus strand). Cytogenetic location: 6p22.3.
Variant type: single nucleotide variant.
Coding change: c.649G>A on transcript NM_001080.3 (MANE Select); coding-DNA position 649, G replaced by A.
Protein change: p.Ala217Thr; replaces alanine 217 with threonine.
Molecular consequence: missense variant.
Genome position (GRCh38, 1-based): chr6:24,504,908, G>A. VCF-style: chr6-24504908-G-A. GRCh37 (hg19) VCF-style: chr6-24505136-G-A.
Other names: c.649G>A, p.Ala217Thr (NM_001368954.1, NM_170740.1); short protein forms A217T.
Identifiers: ClinVar variation 423243 (VCV000423243.8), dbSNP rs1064796319, ClinGen allele CA16618274.